The following is an entry in ClinVar:

NM_004859.4(CLTC):c.4739A>C (p.Asp1580Ala)

Gene: CLTC (clathrin heavy chain; plus strand). Cytogenetic location: 17q23.1.
Variant type: single nucleotide variant.
Coding change: c.4739A>C on transcript NM_004859.4 (MANE Select); coding-DNA position 4739, A replaced by C.
Protein change: p.Asp1580Ala; replaces aspartic acid 1580 with alanine.
Molecular consequence: missense variant.
Genome position (GRCh38, 1-based): chr17:59,685,720, A>C. VCF-style: chr17-59685720-A-C. GRCh37 (hg19) VCF-style: chr17-57763081-A-C.
Other names: c.4751A>C, p.Asp1584Ala (NM_001288653.2); short protein forms D1584A, D1580A.
Identifiers: ClinVar variation 2766616 (VCV002766616.3), dbSNP rs2143602393, ClinGen allele CA400422957.
Genomic context (GRCh38, chr17:59,685,720, plus strand): 5'-AAGAAAAAAGAGAGTGCTTTGGAGCTTGTCTGTTTACCTGTTACGATCTTTTAAGGCCAG[A>C]TGTCGTCCTAGAAACTGCATGGAGGCACAATATCATGGATTTTGCCATGCCCTATTTCAT-3'
Protein context (NP_004850.1, residues 1570-1590): LFTCYDLLRP[Asp1580Ala]VVLETAWRHN

ClinVar aggregate classification (germline): Uncertain significance (1 of 4 stars; one submission).

Submission:

Labcorp Genetics (formerly Invitae), Labcorp
Classification: Uncertain significance. Last evaluated: 2023-10-07. Review status: criteria provided, single submitter. Criteria: Invitae Variant Classification Sherloc (09022015). Collection method: clinical testing. Allele origin: germline.
Comment: This sequence change replaces aspartic acid, which is acidic and polar, with alanine, which is neutral and non-polar, at codon 1584 of the CLTC protein (p.Asp1584Ala). This variant is not present in population databases (gnomAD no frequency). This variant has not been reported in the literature in individuals affected with CLTC-related conditions. Advanced modeling of protein sequence and biophysical properties (such as structural, functional, and spatial information, amino acid conservation, physicochemical variation, residue mobility, and thermodynamic stability) performed at Invitae indicates that this missense variant is not expected to disrupt CLTC protein function. In summary, the available evidence is currently insufficient to determine the role of this variant in disease. Therefore, it has been classified as a Variant of Uncertain Significance.